The following is an entry in ClinVar:

ClinVar aggregate classification (germline): Pathogenic (1 of 4 stars; one submission).

Conditions:
Fabry disease. Also called: Fabry's disease; ALPHA-GALACTOSIDASE A DEFICIENCY; ANDERSON-FABRY DISEASE; CERAMIDE TRIHEXOSIDASE DEFICIENCY; Ceramide trihexosidosis; Angiokeratoma corporis diffusum. Identifiers: Orphanet 324, MedGen C0002986, MONDO:0010526, OMIM 301500, HP:0001071. Disease mechanism: Fabry disease is due to inactivating mutations in the X-linked GLA gene resulting in deficiency of the enzyme Alpha Galactosidase-A., loss of function.

Submission:

Labcorp Genetics (formerly Invitae), Labcorp
Classification: Pathogenic for Fabry disease. Last evaluated: 2024-01-20. Review status: criteria provided, single submitter. Criteria: Invitae Variant Classification Sherloc (09022015). Collection method: clinical testing. Allele origin: germline.
Comment: This variant is a gross deletion of the genomic region encompassing exon(s) 2 of the GLA gene. This deletion is out-of-frame, and is expected to create a premature termination codon and result in an absent or disrupted protein product. Loss-of-function variants in GLA are known to be pathogenic (PMID: 10666480, 12175777). A similar copy number variant has been observed in individuals with Fabry disease (PMID: 15091117, 15806320, 17437606, 28728877). For these reasons, this variant has been classified as Pathogenic.

Literature cited by the submitters: PubMed 10666480; PubMed 12175777; PubMed 15091117; PubMed 15806320; PubMed 17437606; PubMed 28728877.

NC_000023.11:g.(?_101403791)_(101404005_?)del

Genes: GLA (galactosidase alpha; minus strand), RPL36A-HNRNPH2 (RPL36A-HNRNPH2 readthrough; plus strand). Cytogenetic location: Xq22.1.
Variant type: Deletion.
Identifiers: ClinVar variation 643707 (VCV000643707.14).